The following is an entry in ClinVar:

ClinVar aggregate classification (germline): Uncertain significance (1 of 4 stars; one submission).

Conditions:
Kabuki syndrome 2 (KABUK2). Also called: KDM6A-Related Kabuki Syndrome. Identifiers: Orphanet 2322, MedGen C3275495, MONDO:0010465, OMIM 300867.

gnomAD v4.1: 4 of 1,210,949 alleles (0.00033%); highest among the groups gnomAD compares: East Asian, 0.0059%; no homozygotes.

Submission:

Labcorp Genetics (formerly Invitae), Labcorp
Classification: Uncertain significance for Kabuki syndrome 2. Last evaluated: 2024-08-29. Review status: criteria provided, single submitter. Criteria: Invitae Variant Classification Sherloc (09022015). Collection method: clinical testing. Allele origin: germline.
Comment: This sequence change replaces histidine, which is basic and polar, with arginine, which is basic and polar, at codon 576 of the KDM6A protein (p.His576Arg). This variant is present in population databases (no rsID available, gnomAD 0.008%), including at least one homozygous and/or hemizygous individual. This variant has not been reported in the literature in individuals affected with KDM6A-related conditions. Invitae Evidence Modeling of protein sequence and biophysical properties (such as structural, functional, and spatial information, amino acid conservation, physicochemical variation, residue mobility, and thermodynamic stability) indicates that this missense variant is not expected to disrupt KDM6A protein function with a negative predictive value of 80%. In summary, the available evidence is currently insufficient to determine the role of this variant in disease. Therefore, it has been classified as a Variant of Uncertain Significance.

NM_001291415.2(KDM6A):c.1883A>G (p.His628Arg)

Gene: KDM6A (lysine demethylase 6A; plus strand). Cytogenetic location: Xp11.3.
Variant type: single nucleotide variant.
Coding change: c.1883A>G on transcript NM_001291415.2 (MANE Select); coding-DNA position 1883, A replaced by G.
Protein change: p.His628Arg; replaces histidine 628 with arginine.
Molecular consequence: missense variant. On other transcripts: non-coding transcript variant (1).
Genome position (GRCh38, 1-based): chrX:45,063,621, A>G. VCF-style: chrX-45063621-A-G. GRCh37 (hg19) VCF-style: chrX-44922866-A-G.
Other names: c.839A>G, p.His280Arg (NM_001291421.2); c.1625A>G, p.His542Arg (NM_001410742.1, NM_001419814.1); c.1883A>G, p.His628Arg (NM_001419809.1); c.1781A>G, p.His594Arg (NM_001419810.1, NM_001419813.1); c.1748A>G, p.His583Arg (NM_001419811.1, NM_001291416.2); c.1727A>G, p.His576Arg (NM_001419812.1, NM_021140.4); c.1490A>G, p.His497Arg (NM_001419815.1, NM_001291418.2); c.1592A>G, p.His531Arg (NM_001291417.2); short protein forms H280R, H497R, H531R, H594R, H542R, H576R, H583R, H628R.
Identifiers: ClinVar variation 3710583 (VCV003710583.2).